The following is an entry in ClinVar:

NM_001004334.4(GPR179):c.4090G>A (p.Glu1364Lys)

Gene: GPR179 (G protein-coupled receptor 179; minus strand). Cytogenetic location: 17q12.
Variant type: single nucleotide variant.
Coding change: c.4090G>A on transcript NM_001004334.4 (MANE Select); coding-DNA position 4090, G replaced by A.
Protein change: p.Glu1364Lys; replaces glutamic acid 1364 with lysine.
Molecular consequence: missense variant.
Genome position (GRCh38, 1-based): chr17:38,329,479, C>T on the plus strand (G>A on the coding strand, the complement: GPR179 is on the minus strand). VCF-style: chr17-38329479-C-T. GRCh37 (hg19) VCF-style: chr17-36485362-C-T.
Other names: c.4090G>A (NM_001004334.2); short protein forms E1364K.
Identifiers: ClinVar variation 1409325 (VCV001409325.9), dbSNP rs765007436, ClinGen allele CA290104437.

ClinVar aggregate classification (germline): Uncertain significance. Review status: criteria provided, multiple submitters, no conflicts (2 of 4 stars). 2 submissions from 2 submitters: Uncertain significance (2). Last evaluated 2024-04-08.

Conditions:
Inborn genetic diseases. Identifiers: MedGen C0950123, MeSH D030342.

Allele frequency attached by ClinVar (database versions not stated): gnomAD exomes 0.00001 and 0.00005; TOPMed 0.00001; ExAC 0.00006.
gnomAD v4.1: 11 of 1,614,044 alleles (0.00068%); highest among the groups gnomAD compares: East Asian, 0.025%; no homozygotes.

Submissions (2):

Labcorp Genetics (formerly Invitae), Labcorp
Classification: Uncertain significance. Last evaluated: 2024-04-08. Review status: criteria provided, single submitter. Criteria: Invitae Variant Classification Sherloc (09022015). Collection method: clinical testing. Allele origin: germline.
Comment: This sequence change replaces glutamic acid, which is acidic and polar, with lysine, which is basic and polar, at codon 1364 of the GPR179 protein (p.Glu1364Lys). This variant is present in population databases (rs765007436, gnomAD 0.06%). This variant has not been reported in the literature in individuals affected with GPR179-related conditions. ClinVar contains an entry for this variant (Variation ID: 1409325). Algorithms developed to predict the effect of missense changes on protein structure and function output the following: SIFT: "Not Available"; PolyPhen-2: "Benign"; Align-GVGD: "Not Available". The lysine amino acid residue is found in multiple mammalian species, which suggests that this missense change does not adversely affect protein function. In summary, the available evidence is currently insufficient to determine the role of this variant in disease. Therefore, it has been classified as a Variant of Uncertain Significance.

Ambry Genetics
Classification: Uncertain significance for Inborn genetic diseases. Last evaluated: 2023-06-29. Review status: criteria provided, single submitter. Criteria: Ambry Variant Classification Scheme 2023. Collection method: clinical testing. Allele origin: germline.